The following is an entry in ClinVar:

ClinVar aggregate classification (germline): Benign. Review status: criteria provided, multiple submitters, no conflicts (2 of 4 stars). 2 submissions from 2 submitters: Benign (2). Last evaluated 2018-06-14.

Allele frequency attached by ClinVar (database versions not stated): gnomAD exomes 0.09331; gnomAD 0.22578 and 0.23512; TOPMed 0.24297; 1000 Genomes Project 0.24481; 1000 Genomes Project 30x 0.25437.
gnomAD v4.1: 76,470 of 598,510 alleles (13%); highest among the groups gnomAD compares: African/African-American, 61%; 12,373 homozygotes.

Submissions (2):

GeneDx
Classification: Benign. Last evaluated: 2018-06-14. Review status: criteria provided, single submitter. Criteria: GeneDx Variant Classification (06012015). Collection method: clinical testing. Allele origin: germline. Affected: yes.
Comment: This variant is considered likely benign or benign based on one or more of the following criteria: it is a conservative change, it occurs at a poorly conserved position in the protein, it is predicted to be benign by multiple in silico algorithms, and/or has population frequency not consistent with disease.

Breakthrough Genomics
Classification: Benign. Review status: criteria provided, single submitter. Criteria: ACMG Guidelines, 2015. Collection method: not provided. Allele origin: germline. Inheritance: Autosomal recessive inheritance. Affected: yes.

NM_170707.4(LMNA):c.1699-231T>C

Gene: LMNA (lamin A/C; plus strand). Cytogenetic location: 1q22.
Variant type: single nucleotide variant.
Coding change: c.1699-231T>C on transcript NM_170707.4 (MANE Select); 231 bases into the intron before coding-DNA position 1699, T replaced by C.
Molecular consequence: intron variant.
Genome position (GRCh38, 1-based): chr1:156,138,257, T>C. VCF-style: chr1-156138257-T-C. GRCh37 (hg19) VCF-style: chr1-156108048-T-C.
Other names: c.1699-231T>C (NM_001282626.2); c.1609-231T>C (NM_170708.4); c.1363-231T>C (NM_001257374.3).
Identifiers: ClinVar variation 683062 (VCV000683062.2), dbSNP rs520910, ClinGen allele CA10816045.